The following is an entry in ClinVar:

NC_012920.1(MT-ND5):m.14053A>C

Gene: MT-ND5 (mitochondrially encoded NADH dehydrogenase 5; plus strand).
Variant type: single nucleotide variant.
Genome position: chrM-14053-A-C.
Identifiers: ClinVar variation 693659 (VCV000693659.1), dbSNP rs200134839, ClinGen allele CA414820693.
Genomic context (GRCh38, chrMT:14,053, plus strand): 5'-CTAGACCTAACCTGACTAGAAAAGCTATTACCTAAAACAATTTCACAGCACCAAATCTCC[A>C]CCTCCATCATCACCTCAACCCAAAAAGGCATAATTAAACTTTACTTCCTCTCTTTCTTCT-3'

ClinVar aggregate classification (germline): Uncertain significance (1 of 4 stars; one submission).

Conditions:
Leigh syndrome (NULS). Also called: Leigh's necrotizing encephalopathy; Leigh's disease; Leigh's syndrome; LEIGH SYNDROME, NUCLEAR; Leigh Syndrome (mtDNA deletion); Leigh Disease. Identifiers: Orphanet 506, MedGen C2931891, MONDO:0009723, OMIM 256000.

Submission:

Wong Mito Lab, Molecular and Human Genetics, Baylor College of Medicine
Classification: Uncertain significance for Leigh syndrome. Last evaluated: 2019-10-17. Review status: criteria provided, single submitter. Criteria: Modified ACMG Guidelines (Unpublished). Collection method: clinical testing. Allele origin: germline.
Comment: The NC_012920.1:m.14053A>C (YP_003024036.1:p.Thr573Pro) variant in MTND5 gene is interpretated to be a Uncertain Significance variant based on the modified ACMG guidelines (unpublished). This variant meets the following evidence codes: PM10, PP6, BP4